The following is an entry in ClinVar:

ClinVar aggregate classification (germline): Pathogenic. Review status: criteria provided, multiple submitters, no conflicts (2 of 4 stars). 5 submissions from 5 submitters: Pathogenic (5). Last evaluated 2025-08-01.

Conditions:
PTPN11-related disorder. Also called: PTPN11-Related Disorders.
RASopathy. Also called: rasopathies; Noonan spectrum disorder. Identifiers: Orphanet 536391, MedGen C5555857, MONDO:0021060.
LEOPARD syndrome 1 (LPRD1). Also called: LENTIGINOSIS, CARDIOMYOPATHIC; MULTIPLE LENTIGINES SYNDROME; PTPN11-Related LEOPARD Syndrome. Identifiers: Orphanet 500, MedGen C4551484, MONDO:0100082, OMIM 151100.
Noonan syndrome with multiple lentigines. Identifiers: Orphanet 500, MedGen C0175704, MONDO:0007893.

Submissions (5):

Labcorp Genetics (formerly Invitae), Labcorp
Classification: Pathogenic for RASopathy. Last evaluated: 2025-08-01. Review status: criteria provided, single submitter. Criteria: Invitae Variant Classification Sherloc (09022015). Collection method: clinical testing. Allele origin: germline.
Comment: This sequence change replaces alanine, which is neutral and non-polar, with serine, which is neutral and polar, at codon 461 of the PTPN11 protein (p.Ala461Ser). This variant is not present in population databases (gnomAD no frequency). This missense change has been observed in individual(s) with PTPN11-related rasopathies and clinical features of NF1-Noonan syndrome (PMID: 19659470, 22465605, 24790373; internal data). In at least one individual the variant was observed to be de novo. ClinVar contains an entry for this variant (Variation ID: 40546). Invitae Evidence Modeling of protein sequence and biophysical properties (such as structural, functional, and spatial information, amino acid conservation, physicochemical variation, residue mobility, and thermodynamic stability) has been performed for this missense variant. However, the output from this modeling did not meet the statistical confidence thresholds required to predict the impact of this variant on PTPN11 protein function. This variant disrupts the p.Ala461 amino acid residue in PTPN11. Other variant(s) that disrupt this residue have been determined to be pathogenic (PMID: 15389709, 15470362, 16377799, 20493809, 23799168, 24718990, 24935154). This suggests that this residue is clinically significant, and that variants that disrupt this residue are likely to be disease-causing. For these reasons, this variant has been classified as Pathogenic.

Laboratory of Medical Genetics, National & Kapodistrian University of Athens
Classification: Pathogenic for LEOPARD syndrome 1. Last evaluated: 2021-10-01. Review status: criteria provided, single submitter. Criteria: ACMG Guidelines, 2015. Collection method: clinical testing. Allele origin: unknown. Affected: yes.
Comment: PM1, PM2, PM5, PP2, PP3, PP5

Blueprint Genetics
Classification: Pathogenic for PTPN11-related disorders. Last evaluated: 2019-01-23. Review status: criteria provided, single submitter. Criteria: ACMG Guidelines, 2015. Collection method: clinical testing. Allele origin: germline. Affected: yes. Observed: 1 variant allele.

GeneDx
Classification: Pathogenic. Last evaluated: 2014-02-08. Review status: criteria provided, single submitter. Criteria: GeneDx Variant Classification (06012015). Collection method: clinical testing. Allele origin: germline. Affected: yes.
Comment: The A461S missense mutation in the PTPN11 gene has been reported previously in association with autosomal dominant LEOPARD syndrome (LS) (Osawa, 2009). The Alanine 461 codon lies in a PTP enzyme active site which is a mutational hotspot in PTPN11. A different mutation in the same codon, A461T, has been published in cases of LEOPARD syndrome (Kontaridis, 2005). Therefore, the presence of A461S is consistent with a diagnosis of LEOPARD syndrome. The variant is found in NOONAN panel(s).

Laboratory for Molecular Medicine, Mass General Brigham Personalized Medicine
Classification: Pathogenic for Noonan syndrome with multiple lentigines. Last evaluated: 2009-07-16. Review status: criteria provided, single submitter. Criteria: LMM Criteria. Collection method: clinical testing. Allele origin: germline. Observed: 1 variant allele.

Literature cited by the submitters: PubMed 19659470 (cited by Labcorp Genetics (formerly Invitae), Labcorp); PubMed 22465605 (cited by Labcorp Genetics (formerly Invitae), Labcorp); PubMed 24790373 (cited by Labcorp Genetics (formerly Invitae), Labcorp); PubMed 15389709 (cited by Labcorp Genetics (formerly Invitae), Labcorp); PubMed 15470362 (cited by Labcorp Genetics (formerly Invitae), Labcorp); PubMed 16377799 (cited by Labcorp Genetics (formerly Invitae), Labcorp); PubMed 20493809 (cited by Labcorp Genetics (formerly Invitae), Labcorp); PubMed 23799168 (cited by Labcorp Genetics (formerly Invitae), Labcorp); PubMed 24718990 (cited by Labcorp Genetics (formerly Invitae), Labcorp); PubMed 24935154 (cited by Labcorp Genetics (formerly Invitae), Labcorp); PubMed 34008892 (cited by Laboratory of Medical Genetics, National & Kapodistrian University of Athens).

NM_002834.5(PTPN11):c.1381G>T (p.Ala461Ser)

Gene: PTPN11 (protein tyrosine phosphatase non-receptor type 11; plus strand). Cytogenetic location: 12q24.13.
Variant type: single nucleotide variant.
Coding change: c.1381G>T on transcript NM_002834.5 (MANE Select); coding-DNA position 1381, G replaced by T.
Protein change: p.Ala461Ser; replaces alanine 461 with serine.
Molecular consequence: missense variant.
Genome position (GRCh38, 1-based): chr12:112,488,444, G>T. VCF-style: chr12-112488444-G-T. GRCh37 (hg19) VCF-style: chr12-112926248-G-T.
Other names: p.A461S:GCT>TCT; c.1393G>T, p.Ala465Ser (NM_001330437.2); c.1378G>T, p.Ala460Ser (NM_001374625.1); short protein forms A461S, A465S, A460S.
Identifiers: ClinVar variation 40546 (VCV000040546.18), dbSNP rs121918468, ClinGen allele CA261537.